The following is an entry in ClinVar:

ClinVar aggregate classification (germline): Likely benign. Review status: criteria provided, single submitter (1 of 4 stars). 2 submissions from 2 submitters: Likely benign (1). 1 of the submissions does not count toward it. Last evaluated 2025-05-20.

Conditions:
PKD1-related disorder. Also called: PKD1-related condition.

gnomAD v4.1: 7 of 1,608,076 alleles (0.00044%); highest among the groups gnomAD compares: African/African-American, 0.004%; no homozygotes.

Submissions (2):

Mayo Clinic Laboratories, Mayo Clinic
Classification: Likely benign. Last evaluated: 2025-05-20. Review status: criteria provided, single submitter. Criteria: ACMG Guidelines, 2015. Collection method: clinical testing. Allele origin: germline. Observed: 2 variant alleles.
Comment: BP4, BP7

PreventionGenetics, part of Exact Sciences
Classification: Likely benign for PKD1-related condition. Last evaluated: 2024-04-24. Review status: no assertion criteria provided. Collection method: clinical testing. Allele origin: germline. Not counted in ClinVar's aggregate classification.
Comment: This variant is classified as likely benign based on ACMG/AMP sequence variant interpretation guidelines (Richards et al. 2015 PMID: 25741868, with internal and published modifications).

NM_001009944.3(PKD1):c.3648C>T (p.Ser1216=)

Gene: PKD1 (polycystin 1, transient receptor potential channel interacting; minus strand). Cytogenetic location: 16p13.3.
Variant type: single nucleotide variant.
Coding change: c.3648C>T on transcript NM_001009944.3 (MANE Select); coding-DNA position 3648, C replaced by T.
Protein change: p.Ser1216=; no amino-acid change (serine 1216 retained).
Molecular consequence: synonymous variant.
Genome position (GRCh38, 1-based): chr16:2,111,519, G>A on the plus strand (C>T on the coding strand, the complement: PKD1 is on the minus strand). VCF-style: chr16-2111519-G-A. GRCh37 (hg19) VCF-style: chr16-2161520-G-A.
Other names: p.Ser1216=; c.3648C>T, p.Ser1216= (NM_000296.4).
Identifiers: ClinVar variation 3357643 (VCV003357643.2).